The following is an entry in ClinVar:

ClinVar aggregate classification (germline): Uncertain significance (1 of 4 stars; one submission).

Conditions:
Inborn genetic diseases. Identifiers: MedGen C0950123, MeSH D030342.

Submission:

Ambry Genetics
Classification: Uncertain significance for Inborn genetic diseases. Last evaluated: 2025-07-09. Review status: criteria provided, single submitter. Criteria: Ambry Variant Classification Scheme 2023. Collection method: clinical testing. Allele origin: germline.
Comment: The p.D576N variant (also known as c.1726G>A), located in coding exon 17 of the ANKRD26 gene, results from a G to A substitution at nucleotide position 1726. The aspartic acid at codon 576 is replaced by asparagine, an amino acid with highly similar properties. This amino acid position is conserved. In addition, this alteration is predicted to be tolerated by in silico analysis. Based on the available evidence, the clinical significance of this variant remains unclear.

NM_014915.3(ANKRD26):c.1726G>A (p.Asp576Asn)

Gene: ANKRD26 (ankyrin repeat domain containing 26; minus strand). Cytogenetic location: 10p12.1.
Variant type: single nucleotide variant.
Coding change: c.1726G>A on transcript NM_014915.3 (MANE Select); coding-DNA position 1726, G replaced by A.
Protein change: p.Asp576Asn; replaces aspartic acid 576 with asparagine.
Molecular consequence: missense variant.
Genome position (GRCh38, 1-based): chr10:27,048,889, C>T on the plus strand (G>A on the coding strand, the complement: ANKRD26 is on the minus strand). VCF-style: chr10-27048889-C-T. GRCh37 (hg19) VCF-style: chr10-27337818-C-T.
Other names: c.1726G>A, p.Asp576Asn (NM_001256053.2); short protein forms D576N.
Identifiers: ClinVar variation 4103405 (VCV004103405.1).